The following is an entry in ClinVar:

ClinVar aggregate classification (germline): Uncertain significance (1 of 4 stars; one submission).

Conditions:
Cardiovascular phenotype. Identifiers: MedGen CN230736.

Submission:

Ambry Genetics
Classification: Uncertain significance for Cardiovascular phenotype. Last evaluated: 2025-06-01. Review status: criteria provided, single submitter. Criteria: Ambry Variant Classification Scheme 2023. Collection method: clinical testing. Allele origin: germline.
Comment: The p.P1002L variant (also known as c.3005C>T), located in coding exon 1 of the ZNF469 gene, results from a C to T substitution at nucleotide position 3005. The proline at codon 1002 is replaced by leucine, an amino acid with similar properties. This amino acid position is conserved. In addition, this alteration is predicted to be tolerated by in silico analysis. Based on the available evidence, the clinical significance of this variant remains unclear.

NM_001367624.2(ZNF469):c.3005C>T (p.Pro1002Leu)

Gene: ZNF469 (zinc finger protein 469; plus strand). Cytogenetic location: 16q24.2.
Variant type: single nucleotide variant.
Coding change: c.3005C>T on transcript NM_001367624.2 (MANE Select); coding-DNA position 3005, C replaced by T.
Protein change: p.Pro1002Leu; replaces proline 1002 with leucine.
Molecular consequence: missense variant.
Genome position (GRCh38, 1-based): chr16:88,430,475, C>T. VCF-style: chr16-88430475-C-T. GRCh37 (hg19) VCF-style: chr16-88496883-C-T.
Other names: NM_001127464.1:c.3005C>T; short protein forms P1002L.
Identifiers: ClinVar variation 3987382 (VCV003987382.1).